The following is an entry in ClinVar:

NM_001126108.2(SLC12A3):c.421G>A (p.Gly141Arg)

Gene: SLC12A3 (solute carrier family 12 member 3; plus strand). Cytogenetic location: 16q13.
Variant type: single nucleotide variant.
Coding change: c.421G>A on transcript NM_001126108.2 (MANE Select); coding-DNA position 421, G replaced by A.
Protein change: p.Gly141Arg; replaces glycine 141 with arginine.
Molecular consequence: missense variant.
Genome position (GRCh38, 1-based): chr16:56,867,208, G>A. VCF-style: chr16-56867208-G-A. GRCh37 (hg19) VCF-style: chr16-56901120-G-A.
Other names: c.421G>A, p.Gly141Arg (NM_000339.3); c.418G>A, p.Gly140Arg (NM_001126107.2, NM_001410896.1); short protein forms G140R, G141R.
Identifiers: ClinVar variation 3242433 (VCV003242433.3), dbSNP rs1596886086.
Genomic context (GRCh38, chr16:56,867,208, plus strand): 5'-GAGGCAGGCACCAGCAGCGAGAAGAACCCCGAGGAGCCAGTGCGCTTCGGCTGGGTCAAG[G>A]GGGTGATGGTGAGTGGGGTGTGGGTGGTGCGTGATGTCCAGAAATGGGGGTGGGGTGGCA-3'
Protein context (NP_001119580.2, residues 131-151): EEPVRFGWVK[Gly141Arg]VMIRCMLNIW

ClinVar aggregate classification (germline): Likely pathogenic (1 of 4 stars; one submission).

Conditions:
Familial hypokalemia-hypomagnesemia (GTLMNS). Also called: HYPOMAGNESEMIA-HYPOKALEMIA, PRIMARY RENOTUBULAR, WITH HYPOCALCIURIA; POTASSIUM AND MAGNESIUM DEPLETION; gitelman syndrome. Identifiers: Orphanet 358, MedGen C0268450, MONDO:0009904, OMIM 263800.

Submission:

Department of Diabetes and Endocrinology, Second Affiliated Hospital of Dalian Medical University
Classification: Likely pathogenic for Gitelman Syndrome. Last evaluated: 2022-06-29. Review status: criteria provided, single submitter. Criteria: ACMG Guidelines, 2015. Collection method: clinical testing. Allele origin: biparental. Inheritance: Autosomal recessive inheritance. Affected: yes.
Comment: In summary, the Gly141Arg variant meets our criteria to be classified as pathogenic, and the Thr235Lys variant is likely to be pathgenic.